The following is an entry in ClinVar:

NM_182961.4(SYNE1):c.24673A>G (p.Arg8225Gly)

Gene: SYNE1 (spectrin repeat containing nuclear envelope protein 1; minus strand). Cytogenetic location: 6q25.2.
Variant type: single nucleotide variant.
Coding change: c.24673A>G on transcript NM_182961.4 (MANE Select); coding-DNA position 24673, A replaced by G.
Protein change: p.Arg8225Gly; replaces arginine 8225 with glycine.
Molecular consequence: missense variant.
Genome position (GRCh38, 1-based): chr6:152,148,348, T>C on the plus strand (A>G on the coding strand, the complement: SYNE1 is on the minus strand). VCF-style: chr6-152148348-T-C. GRCh37 (hg19) VCF-style: chr6-152469483-T-C.
Other names: c.1279A>G, p.Arg427Gly (NM_001347701.2); c.1138A>G, p.Arg380Gly (NM_001347702.2); c.24460A>G, p.Arg8154Gly (NM_033071.5); short protein forms R427G, R380G, R8154G, R8225G.
Identifiers: ClinVar variation 1378681 (VCV001378681.6), dbSNP rs759109611, ClinGen allele CA4053101.
Genomic context (GRCh38, chr6:152,148,348, plus strand): 5'-CAGAGCGGTCGTGCCAGTGCAGGTCCGACAGAGCTGCAGAGTCTTCCAGCTCCAGCTCCC[T>C]GTCTGAGAGGTCGTGCTCATCGTCTGGGAGCTAGAAGGGAAGTCAAGGCAACCCTGTCAC-3'
Protein context (NP_892006.3, residues 8215-8235): LPDDEHDLSD[Arg8225Gly]ELELEDSAAL

ClinVar aggregate classification (germline): Uncertain significance (1 of 4 stars; one submission).

Conditions:
Emery-Dreifuss muscular dystrophy 4, autosomal dominant (EDMD4). Also called: EMERY-DREIFUSS MUSCULAR DYSTROPHY 4 WITH VARIABLE FEATURES. Identifiers: Orphanet 261, MedGen C2751807, MONDO:0013071, OMIM 612998.
Autosomal recessive ataxia, Beauce type. Also called: SYNE1-Related Autosomal Recessive Cerebellar Ataxia; Spinocerebellar ataxia, autosomal recessive 8; ATAXIA, RECESSIVE, OF BEAUCE; SYNE1 Deficiency. Identifiers: Orphanet 88644, MedGen C1853116, MONDO:0012549, OMIM 610743.

Allele frequency attached by ClinVar (database versions not stated): gnomAD exomes below 0.00001 and 0.00001; ExAC 0.00001.
gnomAD v4.1: 4 of 1,614,158 alleles (0.00025%); highest among the groups gnomAD compares: Non-Finnish European, 0.00034%; no homozygotes.

Submission:

Labcorp Genetics (formerly Invitae), Labcorp
Classification: Uncertain significance for Emery-Dreifuss muscular dystrophy 4, autosomal dominant; Autosomal recessive ataxia, Beauce type. Last evaluated: 2024-11-18. Review status: criteria provided, single submitter. Criteria: Invitae Variant Classification Sherloc (09022015). Collection method: clinical testing. Allele origin: germline.
Comment: This sequence change replaces arginine, which is basic and polar, with glycine, which is neutral and non-polar, at codon 8154 of the SYNE1 protein (p.Arg8154Gly). This variant is present in population databases (rs759109611, gnomAD 0.0009%). This variant has not been reported in the literature in individuals affected with SYNE1-related conditions. ClinVar contains an entry for this variant (Variation ID: 1378681). An algorithm developed to predict the effect of missense changes on protein structure and function (PolyPhen-2) suggests that this variant is likely to be tolerated. In summary, the available evidence is currently insufficient to determine the role of this variant in disease. Therefore, it has been classified as a Variant of Uncertain Significance.